The following is an entry in ClinVar:

NM_004612.4(TGFBR1):c.207C>T (p.Ser69=)

Gene: TGFBR1 (transforming growth factor beta receptor 1; plus strand). Cytogenetic location: 9q22.33.
Variant type: single nucleotide variant.
Coding change: c.207C>T on transcript NM_004612.4 (MANE Select); coding-DNA position 207, C replaced by T.
Protein change: p.Ser69=; no amino-acid change (serine 69 retained).
Molecular consequence: synonymous variant.
Genome position (GRCh38, 1-based): chr9:99,128,964, C>T. VCF-style: chr9-99128964-C-T. GRCh37 (hg19) VCF-style: chr9-101891246-C-T.
Other names: p.S69S:AGC>AGT; c.207C>T, p.Ser69= (NM_001130916.3, NM_001306210.2).
Identifiers: ClinVar variation 213865 (VCV000213865.68), dbSNP rs145033378, ClinGen allele CA041218.

ClinVar aggregate classification (germline): Conflicting classifications of pathogenicity. Review status: criteria provided, conflicting classifications (1 of 4 stars). 9 submissions from 9 submitters: Uncertain significance (2); Likely benign (6). 1 of the submissions does not count toward it. Last evaluated 2026-04-01.

Conditions:
TGFBR1-related disorder. Also called: TGFBR1-related condition.
Familial thoracic aortic aneurysm and aortic dissection (TAAD). Also called: Thoracic aortic aneurysms and dissections. Identifiers: Orphanet 91387, MedGen C4707243, MONDO:0019625.
Loeys-Dietz syndrome (LDS). Identifiers: Orphanet 60030, MedGen C2697932, MONDO:0018954.

Allele frequency attached by ClinVar (database versions not stated): ExAC 0.00011; ESP Exome Variant Server 0.00015; gnomAD 0.00018 and 0.00019; gnomAD exomes 0.00018; TOPMed 0.00027.
gnomAD v4.1: 288 of 1,613,824 alleles (0.018%); highest among the groups gnomAD compares: Admixed American, 0.053%; no homozygotes.

Submissions (9):

CeGaT Center for Human Genetics Tuebingen
Classification: Likely benign. Last evaluated: 2026-04-01. Review status: criteria provided, single submitter. Criteria: CeGaT Center For Human Genetics Tuebingen Variant Classification Criteria Version 2. Collection method: clinical testing. Allele origin: germline. Affected: yes. Observed: 3 variant alleles.
Comment: TGFBR1: BP4, BP7

Labcorp Genetics (formerly Invitae), Labcorp
Classification: Likely benign for Familial thoracic aortic aneurysm and aortic dissection. Last evaluated: 2026-02-01. Review status: criteria provided, single submitter. Criteria: Invitae Variant Classification Sherloc (09022015). Collection method: clinical testing. Allele origin: germline.

Blueprint Genetics
Classification: Likely benign. Last evaluated: 2024-03-25. Review status: criteria provided, single submitter. Criteria: ACMG Guidelines, 2015. Collection method: clinical testing. Allele origin: germline.

All of Us Research Program, National Institutes of Health
Classification: Likely benign for Loeys-Dietz syndrome. Last evaluated: 2023-12-13. Review status: criteria provided, single submitter. Criteria: ACMG Guidelines, 2015. Collection method: clinical testing. Allele origin: germline. Inheritance: Autosomal dominant inheritance. Observed: 46 variant alleles, 46 heterozygotes.
Comment: This study involves interpretation of variants in research participants for the purpose of population health screening. Participant phenotype was not available at the time of variant classification. Additional details can be found in publication PMID: 35346344, PMCID: PMC8962531

ARUP Laboratories, Molecular Genetics and Genomics, ARUP Laboratories
Classification: Uncertain significance. Last evaluated: 2022-01-28. Review status: criteria provided, single submitter. Criteria: ARUP Molecular Germline Variant Investigation Process 2021. Collection method: clinical testing. Allele origin: germline.
Comment: The TGFBR1 c.207C>T; p.Ser69= variant (rs145033378) is reported in the literature in an individual referred for genetic testing for thoracic aortic aneurysms and dissections, though its clinical significance was not demonstrated (Kathiravel 2013). This variant is also reported in ClinVar (Variation ID: 213865) and found in the Latino population with an overall allele frequency of 0.0565% (20/35368 alleles) in the Genome Aggregation Database. This is a synonymous variant in a weakly conserved nucleotide, but computational analyses (Alamut v.2.11) predict that this variant may impact splicing by creating a novel cryptic donor splice site. However, RNA sequencing studies would be required to confirm an effect on splicing. Due to limited information, the clinical significance of the p.Ser69= variant is uncertain at this time. References: Kathiravel U et al. High-density oligonucleotide-based resequencing assay for mutations causing syndromic and non-syndromic forms of thoracic aortic aneurysms and dissections. Mol Cell Probes. 2013;27(2):103-108. PMID: 23142374.

GeneDx
Classification: Uncertain significance. Last evaluated: 2021-05-05. Review status: criteria provided, single submitter. Criteria: GeneDx Variant Classification Process June 2021. Collection method: clinical testing. Allele origin: germline. Affected: yes.
Comment: In-silico analysis is inconclusive as to whether the variant alters gene splicing; in the absence of RNA/functional studies, the actual effect of this sequence change is unknown; Reported as likely benign by other clinical laboratories in ClinVar but additional evidence is not available (ClinVar Variant ID# 213865; Landrum et al., 2016); This variant is associated with the following publications: (PMID: 23142374)

Ambry Genetics
Classification: Likely benign for Familial thoracic aortic aneurysm and aortic dissection. Last evaluated: 2019-01-18. Review status: criteria provided, single submitter. Criteria: Ambry Variant Classification Scheme 2023. Collection method: clinical testing. Allele origin: germline.

Color Diagnostics, LLC DBA Color Health
Classification: Likely benign for Familial thoracic aortic aneurysm and aortic dissection. Last evaluated: 2018-05-29. Review status: criteria provided, single submitter. Criteria: ACMG Guidelines, 2015. Collection method: clinical testing. Allele origin: germline.

PreventionGenetics, part of Exact Sciences
Classification: Likely benign for TGFBR1-related condition. Last evaluated: 2020-04-15. Review status: no assertion criteria provided. Collection method: clinical testing. Allele origin: germline. Not counted in ClinVar's aggregate classification.
Comment: This variant is classified as likely benign based on ACMG/AMP sequence variant interpretation guidelines (Richards et al. 2015 PMID: 25741868, with internal and published modifications).

Literature cited by the submitters: PubMed 23142374 (cited by Ambry Genetics).